The following is an entry in ClinVar:

NM_000548.5(TSC2):c.1275C>A (p.Asn425Lys)

Gene: TSC2 (TSC complex subunit 2; plus strand). Cytogenetic location: 16p13.3.
Variant type: single nucleotide variant.
Coding change: c.1275C>A on transcript NM_000548.5 (MANE Select); coding-DNA position 1275, C replaced by A.
Protein change: p.Asn425Lys; replaces asparagine 425 with lysine.
Molecular consequence: missense variant.
Genome position (GRCh38, 1-based): chr16:2,062,514, C>A. VCF-style: chr16-2062514-C-A. GRCh37 (hg19) VCF-style: chr16-2112515-C-A.
Other names: c.1275C>A, p.Asn425Lys (NM_001370405.1, NM_021055.3, NM_001077183.3 and 3 more transcripts); c.1164C>A, p.Asn388Lys (NM_001318827.2); c.1128C>A, p.Asn376Lys (NM_001318829.2); c.675C>A, p.Asn225Lys (NM_001318831.2); c.1308C>A, p.Asn436Lys (NM_001318832.2); short protein forms N425K, N388K, N225K, N436K, N376K.
Identifiers: ClinVar variation 237962 (VCV000237962.6), dbSNP rs878854076, ClinGen allele CA10583292.

ClinVar aggregate classification (germline): Uncertain significance (1 of 4 stars; one submission).

Conditions:
Tuberous sclerosis 2 (TSC2). Identifiers: Orphanet 805, MedGen C1860707, MONDO:0013199, OMIM 613254.

Submission:

Labcorp Genetics (formerly Invitae), Labcorp
Classification: Uncertain significance for Tuberous sclerosis 2. Last evaluated: 2021-09-21. Review status: criteria provided, single submitter. Criteria: Invitae Variant Classification Sherloc (09022015). Collection method: clinical testing. Allele origin: germline.
Comment: In summary, the available evidence is currently insufficient to determine the role of this variant in disease. Therefore, it has been classified as a Variant of Uncertain Significance. Advanced modeling of protein sequence and biophysical properties (such as structural, functional, and spatial information, amino acid conservation, physicochemical variation, residue mobility, and thermodynamic stability) performed at Invitae indicates that this missense variant is not expected to disrupt TSC2 protein function. ClinVar contains an entry for this variant (Variation ID: 237962). This variant has not been reported in the literature in individuals affected with TSC2-related conditions. This variant is not present in population databases (ExAC no frequency). This sequence change replaces asparagine with lysine at codon 425 of the TSC2 protein (p.Asn425Lys). The asparagine residue is moderately conserved and there is a moderate physicochemical difference between asparagine and lysine.